The following is an entry in ClinVar:

ClinVar aggregate classification (germline): Pathogenic (1 of 4 stars; one submission).

Conditions:
MHC class II deficiency. Also called: Bare lymphocyte syndrome 2; BLS, TYPE II. Identifiers: Orphanet 572, MedGen C5447452, MONDO:0008855.

Allele frequency attached by ClinVar (database versions not stated): ExAC 0.00001; ESP Exome Variant Server 0.00008.
gnomAD v4.1: 2 of 1,614,116 alleles (0.00012%); highest among the groups gnomAD compares: African/African-American, 0.0027%; no homozygotes.

Submission:

Labcorp Genetics (formerly Invitae), Labcorp
Classification: Pathogenic for MHC class II deficiency. Last evaluated: 2023-09-19. Review status: criteria provided, single submitter. Criteria: Invitae Variant Classification Sherloc (09022015). Collection method: clinical testing. Allele origin: germline.
Comment: For these reasons, this variant has been classified as Pathogenic. This variant has not been reported in the literature in individuals affected with CIITA-related conditions. This variant is present in population databases (rs139227684, gnomAD 0.007%). This sequence change creates a premature translational stop signal (p.Trp721*) in the CIITA gene. It is expected to result in an absent or disrupted protein product. Loss-of-function variants in CIITA are known to be pathogenic (PMID: 8402893, 9099848, 26271388).

Literature cited by the submitters: PubMed 8402893; PubMed 9099848; PubMed 26271388.

NM_000246.4(CIITA):c.2163G>A (p.Trp721Ter)

Gene: CIITA (class II major histocompatibility complex transactivator; plus strand). Cytogenetic location: 16p13.13.
Variant type: single nucleotide variant.
Coding change: c.2163G>A on transcript NM_000246.4 (MANE Select); coding-DNA position 2163, G replaced by A.
Protein change: p.Trp721Ter; replaces tryptophan 721 with a stop codon.
Molecular consequence: nonsense. On other transcripts: intron variant (1).
Genome position (GRCh38, 1-based): chr16:10,907,655, G>A. VCF-style: chr16-10907655-G-A. GRCh37 (hg19) VCF-style: chr16-11001512-G-A.
Other names: c.2166G>A, p.Trp722Ter (NM_001286402.1, NM_001379332.1); c.2019G>A, p.Trp673Ter (NM_001379330.1); c.2016G>A, p.Trp672Ter (NM_001379331.1); c.2163G>A, p.Trp721Ter (NM_001379333.1); c.2094G>A, p.Trp698Ter (NM_001379334.1); c.860-1328G>A (NM_001286403.2); short protein forms W721*, W722*, W672*, W673*, W698*.
Identifiers: ClinVar variation 2761827 (VCV002761827.3), dbSNP rs139227684, ClinGen allele CA7900310.